The following is an entry in ClinVar:

NM_000298.6(PKLR):c.508-1G>C

Gene: PKLR (pyruvate kinase L/R; minus strand). Cytogenetic location: 1q22.
Variant type: single nucleotide variant.
Coding change: c.508-1G>C on transcript NM_000298.6 (MANE Select); the canonical splice acceptor site of the intron before coding-DNA position 508, G replaced by C.
Molecular consequence: splice acceptor variant.
Genome position (GRCh38, 1-based): chr1:155,295,303, C>G on the plus strand (G>C on the coding strand, the complement: PKLR is on the minus strand). VCF-style: chr1-155295303-C-G. GRCh37 (hg19) VCF-style: chr1-155265094-C-G.
Other names: c.415-1G>C (NM_181871.4).
Identifiers: ClinVar variation 2028989 (VCV002028989.4), dbSNP rs2525298832, ClinGen allele CA342755414.

ClinVar aggregate classification (germline): Likely pathogenic (1 of 4 stars; one submission).

Submission:

Labcorp Genetics (formerly Invitae), Labcorp
Classification: Likely pathogenic. Last evaluated: 2022-09-04. Review status: criteria provided, single submitter. Criteria: Invitae Variant Classification Sherloc (09022015). Collection method: clinical testing. Allele origin: germline.
Comment: In summary, the currently available evidence indicates that the variant is pathogenic, but additional data are needed to prove that conclusively. Therefore, this variant has been classified as Likely Pathogenic. Algorithms developed to predict the effect of sequence changes on RNA splicing suggest that this variant may disrupt the consensus splice site. This variant has not been reported in the literature in individuals affected with PKLR-related conditions. This variant is not present in population databases (gnomAD no frequency). This sequence change affects an acceptor splice site in intron 4 of the PKLR gene. It is expected to disrupt RNA splicing. Variants that disrupt the donor or acceptor splice site typically lead to a loss of protein function (PMID: 16199547), and loss-of-function variants in PKLR are known to be pathogenic (PMID: 15953013, 26832193).

Literature cited by the submitters: PubMed 16199547; PubMed 15953013; PubMed 26832193.